The following is an entry in ClinVar:

NM_003072.5(SMARCA4):c.4636-20C>T

Gene: SMARCA4 (SWI/SNF related BAF chromatin remodeling complex subunit ATPase 4; plus strand). Cytogenetic location: 19p13.2.
Variant type: single nucleotide variant.
Coding change: c.4636-20C>T on transcript NM_003072.5 (MANE Select); 20 bases into the intron before coding-DNA position 4636, C replaced by T.
Molecular consequence: intron variant.
Genome position (GRCh38, 1-based): chr19:11,059,733, C>T. VCF-style: chr19-11059733-C-T. GRCh37 (hg19) VCF-style: chr19-11170409-C-T.
Other names: c.4636-20C>T (NM_001128844.3); c.4732-20C>T (NM_001128849.3, NM_001387283.1); c.4537-20C>T (NM_001128847.4, NM_001374457.1); c.4546-20C>T (NM_001128845.2); c.4543-20C>T (NM_001128846.2); c.4534-20C>T (NM_001128848.2).
Identifiers: ClinVar variation 1584829 (VCV001584829.9), dbSNP rs750380248, ClinGen allele CA9204820.
Genomic context (GRCh38, chr19:11,059,733, plus strand): 5'-GGGCTGGGGCTGGGGCCAGGGCCGGGCAGGCAGCCCTCCAGTCGGGCCCATCCACTCAAG[C>T]CCCTGGTGTCTCTGCCCAGATCTATGAAGACTCCATCGTCTTGCAGTCGGTCTTCACCAG-3'

ClinVar aggregate classification (germline): Likely benign. Review status: criteria provided, multiple submitters, no conflicts (2 of 4 stars). 2 submissions from 2 submitters: Likely benign (2). Last evaluated 2026-07-08.

Conditions:
Rhabdoid tumor predisposition syndrome 2 (RTPS2). Identifiers: Orphanet 231108, Orphanet 69077, MedGen C2750074, MONDO:0013224, OMIM 613325.

Allele frequency attached by ClinVar (database versions not stated): TOPMed 0.00001; gnomAD exomes 0.00001.
gnomAD v4.1: 17 of 1,555,306 alleles (0.0011%); highest among the groups gnomAD compares: South Asian, 0.0047%; no homozygotes.

Submissions (2):

Myriad Genetics, Inc.
Classification: Likely benign for Rhabdoid tumor predisposition syndrome 2. Last evaluated: 2026-07-08. Review status: criteria provided, single submitter. Criteria: Myriad Autosomal Dominant, Autosomal Recessive and X-Linked Classification Criteria (2023). Collection method: clinical testing. Allele origin: unknown.
Comment: This variant is considered likely benign. This variant is intronic and is not expected to impact mRNA splicing.

Labcorp Genetics (formerly Invitae), Labcorp
Classification: Likely benign for Rhabdoid tumor predisposition syndrome 2. Last evaluated: 2025-07-30. Review status: criteria provided, single submitter. Criteria: Invitae Variant Classification Sherloc (09022015). Collection method: clinical testing. Allele origin: germline.